The following is an entry in ClinVar:

NM_000521.4(HEXB):c.1273A>T (p.Lys425Ter)

Gene: HEXB (hexosaminidase subunit beta; plus strand). Cytogenetic location: 5q13.3.
Variant type: single nucleotide variant.
Coding change: c.1273A>T on transcript NM_000521.4 (MANE Select); coding-DNA position 1273, A replaced by T.
Protein change: p.Lys425Ter; replaces lysine 425 with a stop codon.
Molecular consequence: nonsense.
Genome position (GRCh38, 1-based): chr5:74,718,827, A>T. VCF-style: chr5-74718827-A-T. GRCh37 (hg19) VCF-style: chr5-74014652-A-T.
Other names: c.598A>T, p.Lys200Ter (NM_001292004.2); short protein forms K200*, K425*.
Identifiers: ClinVar variation 4814281 (VCV004814281.1).
Genomic context (GRCh38, chr5:74,718,827, plus strand): 5'-AATATGTATTGCAATTTGTAACGTTAATAGCTTGCGCCGGGCACAATAGTTGAAGTATGG[A>T]AAGACAGCGCATATCCTGAGGAACTCAGTAGAGTCACAGCATCTGGCTTCCCTGTAATCC-3'

ClinVar aggregate classification (germline): Likely pathogenic (1 of 4 stars; one submission).

Conditions:
Sandhoff disease. Also called: GM2-GANGLIOSIDOSIS, TYPE II; HEXOSAMINIDASES A AND B DEFICIENCY; Beta-hexosaminidase-beta-subunit deficiency; GM2 gangliosidosis, type 2; Total hexosaminidase deficiency; Sandhoff-Jatzkewitz-Pilz disease. Identifiers: Orphanet 796, MedGen C0036161, MONDO:0010006, OMIM 268800.

Submission:

Natera, Inc.
Classification: Likely pathogenic for Sandhoff disease. Last evaluated: 2025-10-07. Review status: criteria provided, single submitter. Criteria: Natera Variant Classification Schema (03/2026). Collection method: clinical testing. Allele origin: germline.
Comment: The c.1273A>T variant in HEXB is a nonsense variant predicted to introduce a stop codon at amino acid 425. This variant is expected to result in nonsense mediated decay, truncation, or a dysfunctional protein product. This variant is rare in the general population with a frequency below the threshold expected for the associated phenotype(s). Given the available evidence, this variant is classified as Likely Pathogenic.